The following is an entry in ClinVar:

NM_015662.3(IFT172):c.2296G>A (p.Gly766Arg)

Gene: IFT172 (intraflagellar transport 172; minus strand). Cytogenetic location: 2p23.3.
Variant type: single nucleotide variant.
Coding change: c.2296G>A on transcript NM_015662.3 (MANE Select); coding-DNA position 2296, G replaced by A.
Protein change: p.Gly766Arg; replaces glycine 766 with arginine.
Molecular consequence: missense variant.
Genome position (GRCh38, 1-based): chr2:27,461,415, C>T on the plus strand (G>A on the coding strand, the complement: IFT172 is on the minus strand). VCF-style: chr2-27461415-C-T. GRCh37 (hg19) VCF-style: chr2-27684282-C-T.
Other names: c.2230G>A, p.Gly744Arg (NM_001410739.1); short protein forms G744R, G766R.
Identifiers: ClinVar variation 4992832 (VCV004992832.1).
Genomic context (GRCh38, chr2:27,461,415, plus strand): 5'-CCAGCCGAGCAGCTTTGGCAGGGAGCCCAGCTTTGAGGTAGAGGCTGATGGCTGCTAGCC[C>T]ATCCCCTTGGCTCTCCTGTAGTTCACCTGCTCGCTCCTCTTGCTGTGTGTCCATCAGCCA-3'
Protein context (NP_056477.1, residues 756-776): AGELQESQGD[Gly766Arg]LAAISLYLKA

ClinVar aggregate classification (germline): Uncertain significance (1 of 4 stars; one submission).

Conditions:
IFT172-related disorder. Also called: IFT172-related condition; IFT172-related disorders.

Submission:

PreventionGenetics, part of Exact Sciences
Classification: Uncertain significance for IFT172-related condition. Last evaluated: 2026-07-30. Review status: criteria provided, single submitter. Criteria: ACMG Guidelines, 2015. Collection method: clinical testing. Allele origin: germline.
Comment: The IFT172 c.2296G>A variant is predicted to result in the amino acid substitution p.Gly766Arg. To our knowledge, this variant has not been reported in the literature or in a large population database (gnomAD), indicating this variant is rare. At this time, the clinical significance of this variant is uncertain due to the absence of conclusive functional and genetic evidence.